The following is an entry in ClinVar:

NM_001261826.3(AP3D1):c.1917G>T (p.Glu639Asp)

Gene: AP3D1 (adaptor related protein complex 3 subunit delta 1; minus strand). Cytogenetic location: 19p13.3.
Variant type: single nucleotide variant.
Coding change: c.1917G>T on transcript NM_001261826.3 (MANE Select); coding-DNA position 1917, G replaced by T.
Protein change: p.Glu639Asp; replaces glutamic acid 639 with aspartic acid.
Molecular consequence: missense variant.
Genome position (GRCh38, 1-based): chr19:2,116,689, C>A on the plus strand (G>T on the coding strand, the complement: AP3D1 is on the minus strand). VCF-style: chr19-2116689-C-A. GRCh37 (hg19) VCF-style: chr19-2116688-C-A.
Other names: p.Glu639Asp; c.1917G>T, p.Glu639Asp (NM_001374799.1, NM_003938.8); short protein forms E639D.
Identifiers: ClinVar variation 1381010 (VCV001381010.9), dbSNP rs578129675, ClinGen allele CA304157138.

ClinVar aggregate classification (germline): Uncertain significance. Review status: criteria provided, multiple submitters, no conflicts (2 of 4 stars). 2 submissions from 2 submitters: Uncertain significance (2). Last evaluated 2025-09-30.

Allele frequency attached by ClinVar (database versions not stated): gnomAD 0.00002 and 0.00003; TOPMed 0.00002; 1000 Genomes Project 0.00020; 1000 Genomes Project 30x 0.00031.
gnomAD v4.1: 6 of 1,610,432 alleles (0.00037%); highest among the groups gnomAD compares: Admixed American, 0.0067%; no homozygotes.

Submissions (2):

Labcorp Genetics (formerly Invitae), Labcorp
Classification: Uncertain significance. Last evaluated: 2025-09-30. Review status: criteria provided, single submitter. Criteria: Invitae Variant Classification Sherloc (09022015). Collection method: clinical testing. Allele origin: germline.
Comment: This sequence change replaces glutamic acid, which is acidic and polar, with aspartic acid, which is acidic and polar, at codon 639 of the AP3D1 protein (p.Glu639Asp). This variant is not present in population databases (gnomAD no frequency). This variant has not been reported in the literature in individuals affected with AP3D1-related conditions. ClinVar contains an entry for this variant (Variation ID: 1381010). An algorithm developed to predict the effect of missense changes on protein structure and function (PolyPhen-2) suggests that this variant is likely to be tolerated. In summary, the available evidence is currently insufficient to determine the role of this variant in disease. Therefore, it has been classified as a Variant of Uncertain Significance.

Mayo Clinic Laboratories, Mayo Clinic
Classification: Uncertain significance. Last evaluated: 2024-03-13. Review status: criteria provided, single submitter. Criteria: ACMG Guidelines, 2015. Collection method: clinical testing. Allele origin: germline. Observed: 1 variant allele.
Comment: BP4, PM2